The following is an entry in ClinVar:

NM_001035.3(RYR2):c.9581-46C>T

Gene: RYR2 (ryanodine receptor 2; plus strand). Cytogenetic location: 1q43.
Variant type: single nucleotide variant.
Coding change: c.9581-46C>T on transcript NM_001035.3 (MANE Select); 46 bases into the intron before coding-DNA position 9581, C replaced by T.
Molecular consequence: intron variant.
Genome position (GRCh38, 1-based): chr1:237,706,903, C>T. VCF-style: chr1-237706903-C-T. GRCh37 (hg19) VCF-style: chr1-237870203-C-T.
Identifiers: ClinVar variation 673854 (VCV000673854.2), dbSNP rs150353512, ClinGen allele CA087930.

ClinVar aggregate classification (germline): Likely benign. Review status: criteria provided, multiple submitters, no conflicts (2 of 4 stars). 2 submissions from 2 submitters: Likely benign (2). Last evaluated 2018-06-19.

Allele frequency attached by ClinVar (database versions not stated): 1000 Genomes Project 30x 0.00562; 1000 Genomes Project 0.00579; ExAC 0.00789; gnomAD 0.00791 and 0.00825; gnomAD exomes 0.00806 and 0.01089; TOPMed 0.00866; ESP Exome Variant Server 0.00955.
gnomAD v4.1: 15,807 of 1,493,008 alleles (1.1%); highest among the groups gnomAD compares: Middle Eastern, 2.1%; 106 homozygotes.

Submissions (2):

GeneDx
Classification: Likely benign. Last evaluated: 2018-06-19. Review status: criteria provided, single submitter. Criteria: GeneDx Variant Classification (06012015). Collection method: clinical testing. Allele origin: germline. Affected: yes.
Comment: This variant is considered likely benign or benign based on one or more of the following criteria: it is a conservative change, it occurs at a poorly conserved position in the protein, it is predicted to be benign by multiple in silico algorithms, and/or has population frequency not consistent with disease.

Breakthrough Genomics
Classification: Likely benign. Review status: criteria provided, single submitter. Criteria: ACMG Guidelines, 2015. Collection method: not provided. Allele origin: germline. Inheritance: Autosomal dominant inheritance. Affected: yes.